The following is an entry in ClinVar:

NM_031885.5(BBS2):c.1381G>A (p.Val461Met)

Gene: BBS2 (Bardet-Biedl syndrome 2; minus strand). Cytogenetic location: 16q13.
Variant type: single nucleotide variant.
Coding change: c.1381G>A on transcript NM_031885.5 (MANE Select); coding-DNA position 1381, G replaced by A.
Protein change: p.Val461Met; replaces valine 461 with methionine.
Molecular consequence: missense variant. On other transcripts: non-coding transcript variant (2).
Genome position (GRCh38, 1-based): chr16:56,500,870, C>T on the plus strand (G>A on the coding strand, the complement: BBS2 is on the minus strand). VCF-style: chr16-56500870-C-T. GRCh37 (hg19) VCF-style: chr16-56534782-C-T.
Other names: c.1381G>A, p.Val461Met (NM_001377456.1); c.1381G>A (NM_031885.3); short protein forms V461M.
Identifiers: ClinVar variation 1053461 (VCV001053461.9), dbSNP rs377000980, ClinGen allele CA8065756.

ClinVar aggregate classification (germline): Uncertain significance. Review status: criteria provided, multiple submitters, no conflicts (2 of 4 stars). 5 submissions from 5 submitters: Uncertain significance (4). 1 of the submissions does not count toward it. Last evaluated 2025-08-06.

Conditions:
Bardet-Biedl syndrome (BBS). Identifiers: Orphanet 110, MedGen C0752166, MONDO:0015229.
Retinitis pigmentosa 74 (RP74). Identifiers: Orphanet 791, MedGen C4225281, MONDO:0014692, OMIM 616562.
Bardet-Biedl syndrome 2 (BBS2). Identifiers: Orphanet 110, MedGen C2936863, MONDO:0014432, OMIM 615981.
BBS2-related disorder. Also called: BBS2-related disorders; BBS2-related condition. Identifiers: MedGen CN239228.

Allele frequency attached by ClinVar (database versions not stated): ExAC 0.00005; TOPMed 0.00006; gnomAD 0.00007 and 0.00008; ESP Exome Variant Server 0.00015.

Submissions (5):

PreventionGenetics, part of Exact Sciences
Classification: Uncertain significance for BBS2-related condition. Last evaluated: 2025-08-06. Review status: criteria provided, single submitter. Criteria: ACMG Guidelines, 2015. Collection method: clinical testing. Allele origin: germline.
Comment: The BBS2 c.1381G>A variant is predicted to result in the amino acid substitution p.Val461Met. This variant has been reported in an individual with suspected Bardet-Biedl syndrome; however, a second possible causative variant was not detected in that individual, and the patient also carried heterozygous variants in BBS8 and BBS10 (Jeziorny et al. 2020. PubMed ID: 33138063). This variant is reported in 0.0096% of alleles in individuals of Ashkenazi Jewish descent in gnomAD. At this time, the clinical significance of this variant is uncertain due to the absence of conclusive functional and genetic evidence.

Labcorp Genetics (formerly Invitae), Labcorp
Classification: Uncertain significance for Bardet-Biedl syndrome. Last evaluated: 2024-10-08. Review status: criteria provided, single submitter. Criteria: Invitae Variant Classification Sherloc (09022015). Collection method: clinical testing. Allele origin: germline.
Comment: This sequence change replaces valine, which is neutral and non-polar, with methionine, which is neutral and non-polar, at codon 461 of the BBS2 protein (p.Val461Met). This variant is present in population databases (rs377000980, gnomAD 0.01%). This missense change has been observed in individual(s) with Bardet‚ÄìBiedl syndrome (PMID: 33138063). ClinVar contains an entry for this variant (Variation ID: 1053461). Invitae Evidence Modeling of protein sequence and biophysical properties (such as structural, functional, and spatial information, amino acid conservation, physicochemical variation, residue mobility, and thermodynamic stability) has been performed for this missense variant. However, the output from this modeling did not meet the statistical confidence thresholds required to predict the impact of this variant on BBS2 protein function. In summary, the available evidence is currently insufficient to determine the role of this variant in disease. Therefore, it has been classified as a Variant of Uncertain Significance.

Fulgent Genetics
Classification: Uncertain significance for Bardet-Biedl syndrome 2; Retinitis pigmentosa 74. Last evaluated: 2024-03-27. Review status: criteria provided, single submitter. Criteria: ACMG Guidelines, 2015. Collection method: clinical testing. Allele origin: germline.

Blueprint Genetics
Classification: Uncertain significance. Last evaluated: 2022-11-08. Review status: criteria provided, single submitter. Criteria: ACMG Guidelines, 2015. Collection method: clinical testing. Allele origin: germline.

Natera, Inc.
Classification: Uncertain significance for Bardet-Biedl syndrome type 2. Last evaluated: 2020-03-11. Review status: no assertion criteria provided. Collection method: clinical testing. Allele origin: germline. Not counted in ClinVar's aggregate classification.

Literature cited by the submitters: PubMed 33138063 (cited by Labcorp Genetics (formerly Invitae), Labcorp).